The following is an entry in ClinVar:

NM_001102401.4(TTI2):c.750C>A (p.Pro250=)

Gene: TTI2 (TELO2 interacting protein 2; minus strand). Cytogenetic location: 8p12.
Variant type: single nucleotide variant.
Coding change: c.750C>A on transcript NM_001102401.4 (MANE Select); coding-DNA position 750, C replaced by A.
Protein change: p.Pro250=; no amino-acid change (proline 250 retained).
Molecular consequence: synonymous variant.
Genome position (GRCh38, 1-based): chr8:33,509,830, G>T on the plus strand (C>A on the coding strand, the complement: TTI2 is on the minus strand). VCF-style: chr8-33509830-G-T. GRCh37 (hg19) VCF-style: chr8-33367348-G-T.
Other names: c.750C>A, p.Pro250= (NM_001265581.2, NM_001330505.3, NM_001440381.1 and 1 more transcripts).
Identifiers: ClinVar variation 4281405 (VCV004281405.7).

ClinVar aggregate classification (germline): Likely benign (1 of 4 stars; one submission).

gnomAD v4.1: 1 of 1,613,958 alleles (0.000062%); highest among the groups gnomAD compares: Admixed American, 0.0017%; no homozygotes.

Submission:

CeGaT Center for Human Genetics Tuebingen
Classification: Likely benign. Last evaluated: 2025-09-01. Review status: criteria provided, single submitter. Criteria: CeGaT Center For Human Genetics Tuebingen Variant Classification Criteria Version 2. Collection method: clinical testing. Allele origin: germline. Affected: yes. Observed: 1 variant allele.
Comment: TTI2: BP4, BP7